The following is an entry in ClinVar:

NM_144666.3(DNHD1):c.11579T>A (p.Met3860Lys)

Gene: DNHD1 (dynein heavy chain domain 1; plus strand). Cytogenetic location: 11p15.4.
Variant type: single nucleotide variant.
Coding change: c.11579T>A on transcript NM_144666.3 (MANE Select); coding-DNA position 11579, T replaced by A.
Protein change: p.Met3860Lys; replaces methionine 3860 with lysine.
Molecular consequence: missense variant.
Genome position (GRCh38, 1-based): chr11:6,567,088, T>A. VCF-style: chr11-6567088-T-A. GRCh37 (hg19) VCF-style: chr11-6588318-T-A.
Other names: short protein forms M3860K.
Identifiers: ClinVar variation 3342539 (VCV003342539.1).

ClinVar aggregate classification (germline): Uncertain significance (1 of 4 stars; one submission).

Submission:

GeneDx
Classification: Uncertain significance. Last evaluated: 2022-06-15. Review status: criteria provided, single submitter. Criteria: GeneDx Variant Classification Process June 2021. Collection method: clinical testing. Allele origin: germline. Affected: yes.
Comment: Not observed at significant frequency in large population cohorts (gnomAD); In silico analysis supports that this missense variant has a deleterious effect on protein structure/function; In silico analysis also suggests this variant may impact gene splicing. In the absence of RNA/functional studies, the actual effect of this sequence change is unknown.; Has not been previously published as pathogenic or benign to our knowledge; Variants in candidate genes are classified as variants of uncertain significance in accordance with ACMG guidelines (Richards et al., 2015)